The following is an entry in ClinVar:

NM_014727.3(KMT2B):c.4980C>G (p.Ser1660Arg)

Gene: KMT2B (lysine methyltransferase 2B; plus strand). Cytogenetic location: 19q13.12.
Variant type: single nucleotide variant.
Coding change: c.4980C>G on transcript NM_014727.3 (MANE Select); coding-DNA position 4980, C replaced by G.
Protein change: p.Ser1660Arg; replaces serine 1660 with arginine.
Molecular consequence: missense variant.
Genome position (GRCh38, 1-based): chr19:35,730,029, C>G. VCF-style: chr19-35730029-C-G. GRCh37 (hg19) VCF-style: chr19-36220930-C-G.
Other names: short protein forms S1660R.
Identifiers: ClinVar variation 4975546 (VCV004975546.1).
Genomic context (GRCh38, chr19:35,730,029, plus strand): 5'-CTGCGAGCTCTGCCTGAAGCCTGGCGCCACGGTGGGCTGCTGCCTGTCCTCCTGCCTCAG[C>G]AACTTCCACTTCATGTGTGCCCGGGCCAGCTACTGCATCTTCCAGGATGACAAGAAAGTC-3'
Protein context (NP_055542.1, residues 1650-1670): TVGCCLSSCL[Ser1660Arg]NFHFMCARAS

ClinVar aggregate classification (germline): Uncertain significance (1 of 4 stars; one submission).

Submission:

GeneDx
Classification: Uncertain significance. Last evaluated: 2026-01-28. Review status: criteria provided, single submitter. Criteria: GeneDx Variant Classification Process June 2021. Collection method: clinical testing. Allele origin: germline.
Comment: Not observed at significant frequency in large population cohorts (gnomAD); Has not been previously published as pathogenic or benign to our knowledge; In silico analysis supports that this missense variant has a deleterious effect on protein structure/function; In silico analysis suggests this variant may impact gene splicing. In the absence of RNA/functional studies, the actual effect of this sequence change is unknown.